The following is an entry in ClinVar:

NM_014363.6(SACS):c.7117C>T (p.Gln2373Ter)

Gene: SACS (sacsin molecular chaperone; minus strand). Cytogenetic location: 13q12.12.
Variant type: single nucleotide variant.
Coding change: c.7117C>T on transcript NM_014363.6 (MANE Select); coding-DNA position 7117, C replaced by T.
Protein change: p.Gln2373Ter; replaces glutamine 2373 with a stop codon.
Molecular consequence: nonsense.
Genome position (GRCh38, 1-based): chr13:23,336,759, G>A on the plus strand (C>T on the coding strand, the complement: SACS is on the minus strand). VCF-style: chr13-23336759-G-A. GRCh37 (hg19) VCF-style: chr13-23910898-G-A.
Other names: c.6676C>T, p.Gln2226Ter (NM_001278055.2); short protein forms Q2226*, Q2373*.
Identifiers: ClinVar variation 2999293 (VCV002999293.3), dbSNP rs2542239022, ClinGen allele CA387520005.

ClinVar aggregate classification (germline): Pathogenic (1 of 4 stars; one submission).

Conditions:
Spastic paraplegia. Identifiers: MedGen C0037772, HP:0001258.

Submission:

Labcorp Genetics (formerly Invitae), Labcorp
Classification: Pathogenic for Spastic paraplegia. Last evaluated: 2023-09-27. Review status: criteria provided, single submitter. Criteria: Invitae Variant Classification Sherloc (09022015). Collection method: clinical testing. Allele origin: germline.
Comment: This variant is not present in population databases (gnomAD no frequency). This variant has not been reported in the literature in individuals affected with SACS-related conditions. This variant disrupts a region of the SACS protein in which other variant(s) (p.Asn4549Asp) have been determined to be pathogenic (PMID: 15156359, 21507954). This suggests that this is a clinically significant region of the protein, and that variants that disrupt it are likely to be disease-causing. For these reasons, this variant has been classified as Pathogenic. This sequence change creates a premature translational stop signal (p.Gln2373*) in the SACS gene. While this is not anticipated to result in nonsense mediated decay, it is expected to disrupt the last 2207 amino acid(s) of the SACS protein.

Literature cited by the submitters: PubMed 15156359; PubMed 21507954.